The following is an entry in ClinVar:

ClinVar aggregate classification (germline): Uncertain significance (1 of 4 stars; one submission).

Conditions:
Primary dilated cardiomyopathy (DCM). Also called: Dilated Cardiomyopathy. Identifiers: Orphanet 217604, MedGen C0007193, MeSH D002311, MONDO:0005021, HP:0001644. Inheritance: Various modes of inheritance.

Allele frequency attached by ClinVar (database versions not stated): gnomAD exomes below 0.00001; TOPMed below 0.00001; gnomAD 0.00001.
gnomAD v4.1: 5 of 1,613,258 alleles (0.00031%); highest among the groups gnomAD compares: Non-Finnish European, 0.00042%; no homozygotes.

Submission:

Labcorp Genetics (formerly Invitae), Labcorp
Classification: Uncertain significance for Primary dilated cardiomyopathy. Last evaluated: 2025-05-13. Review status: criteria provided, single submitter. Criteria: Invitae Variant Classification Sherloc (09022015). Collection method: clinical testing. Allele origin: germline.
Comment: This sequence change replaces glycine, which is neutral and non-polar, with glutamic acid, which is acidic and polar, at codon 535 of the NEBL protein (p.Gly535Glu). This variant is not present in population databases (gnomAD no frequency). This variant has not been reported in the literature in individuals affected with NEBL-related conditions. ClinVar contains an entry for this variant (Variation ID: 1917739). An algorithm developed to predict the effect of missense changes on protein structure and function (PolyPhen-2) suggests that this variant is likely to be disruptive. In summary, the available evidence is currently insufficient to determine the role of this variant in disease. Therefore, it has been classified as a Variant of Uncertain Significance.

NM_006393.3(NEBL):c.1604G>A (p.Gly535Glu)

Gene: NEBL (nebulette; minus strand). Cytogenetic location: 10p12.31.
Variant type: single nucleotide variant.
Coding change: c.1604G>A on transcript NM_006393.3 (MANE Select); coding-DNA position 1604, G replaced by A.
Protein change: p.Gly535Glu; replaces glycine 535 with glutamic acid.
Molecular consequence: missense variant. On other transcripts: intron variant (9).
Genome position (GRCh38, 1-based): chr10:20,831,263, C>T on the plus strand (G>A on the coding strand, the complement: NEBL is on the minus strand). VCF-style: chr10-20831263-C-T. GRCh37 (hg19) VCF-style: chr10-21120192-C-T.
Other names: c.250-18323G>A (NM_001377326.1, NM_001377327.1, NM_001377328.1); c.358-18323G>A (NM_213569.2, NM_001173484.2, NM_001377322.1); c.301-18323G>A (NM_001377324.1); c.292-18323G>A (NM_001377325.1); c.310-18323G>A (NM_001377323.1); short protein forms G535E.
Identifiers: ClinVar variation 1917739 (VCV001917739.5), dbSNP rs1392651216, ClinGen allele CA376097221.